The following is an entry in ClinVar:

NM_031885.5(BBS2):c.919T>C (p.Cys307Arg)

Gene: BBS2 (Bardet-Biedl syndrome 2; minus strand). Cytogenetic location: 16q13.
Variant type: single nucleotide variant.
Coding change: c.919T>C on transcript NM_031885.5 (MANE Select); coding-DNA position 919, T replaced by C.
Protein change: p.Cys307Arg; replaces cysteine 307 with arginine.
Molecular consequence: missense variant. On other transcripts: non-coding transcript variant (5).
Genome position (GRCh38, 1-based): chr16:56,502,694, A>G on the plus strand (T>C on the coding strand, the complement: BBS2 is on the minus strand). VCF-style: chr16-56502694-A-G. GRCh37 (hg19) VCF-style: chr16-56536606-A-G.
Other names: c.919T>C, p.Cys307Arg (NM_001377456.1); short protein forms C307R.
Identifiers: ClinVar variation 4796585 (VCV004796585.1).

ClinVar aggregate classification (germline): Likely pathogenic (1 of 4 stars; one submission).

Conditions:
Bardet-Biedl syndrome 2 (BBS2). Identifiers: Orphanet 110, MedGen C2936863, MONDO:0014432, OMIM 615981.

Submission:

Juno Genomics, Hangzhou Juno Genomics, Inc
Classification: Likely pathogenic for Bardet-Biedl syndrome 2. Review status: criteria provided, single submitter. Criteria: ACMG Guidelines, 2015. Collection method: clinical testing. Allele origin: germline. Affected: yes.
Comment: Absent from controls (or at extremely low frequency if recessive) in Genome Aggregation Database, Exome Sequencing Project, 1000 Genomes Project, or Exome Aggregation Consortium.;Multiple lines of computational evidence support a deleterious effect on the gene or gene product (conservation, evolutionary, splicing impact, etc).;For recessive disorders, detected in trans with a pathogenic variant.;Novel missense change at an amino acid residue where a different missense change determined to be pathogenic has been seen before.;Patient's phenotype or family history is highly specific for a disease with a single genetic etiology.